The following is an entry in ClinVar:

ClinVar aggregate classification (germline): Conflicting classifications of pathogenicity. Review status: criteria provided, conflicting classifications (1 of 4 stars). 2 submissions from 2 submitters: Uncertain significance (1); Likely benign (1). Last evaluated 2025-11-03.

Conditions:
Familial thoracic aortic aneurysm and aortic dissection (TAAD). Also called: Thoracic aortic aneurysms and dissections. Identifiers: Orphanet 91387, MedGen C4707243, MONDO:0019625.
Congenital contractural arachnodactyly (CCA). Also called: BEALS SYNDROME; Arthrogryposis, distal, type 9; Beals-Hecht syndrome. Identifiers: Orphanet 115, MedGen C0220668, MONDO:0007363, OMIM 121050.

Allele frequency attached by ClinVar (database versions not stated): gnomAD exomes below 0.00001; gnomAD 0.00001; TOPMed 0.00001.
gnomAD v4.1: 6 of 1,614,032 alleles (0.00037%); highest among the groups gnomAD compares: Admixed American, 0.0033%; no homozygotes.

Submissions (2):

Labcorp Genetics (formerly Invitae), Labcorp
Classification: Likely benign for Congenital contractural arachnodactyly. Last evaluated: 2025-11-03. Review status: criteria provided, single submitter. Criteria: Invitae Variant Classification Sherloc (09022015). Collection method: clinical testing. Allele origin: germline.

Ambry Genetics
Classification: Uncertain significance for Familial thoracic aortic aneurysm and aortic dissection. Last evaluated: 2022-08-24. Review status: criteria provided, single submitter. Criteria: Ambry Variant Classification Scheme 2023. Collection method: clinical testing. Allele origin: germline.
Comment: The p.M423V variant (also known as c.1267A>G), located in coding exon 10 of the FBN2 gene, results from an A to G substitution at nucleotide position 1267. The methionine at codon 423 is replaced by valine, an amino acid with highly similar properties. This amino acid position is poorly conserved in available vertebrate species. In addition, this alteration is predicted to be tolerated by in silico analysis. Since supporting evidence is limited at this time, the clinical significance of this alteration remains unclear.

NM_001999.4(FBN2):c.1267A>G (p.Met423Val)

Gene: FBN2 (fibrillin 2; minus strand). Cytogenetic location: 5q23.3.
Variant type: single nucleotide variant.
Coding change: c.1267A>G on transcript NM_001999.4 (MANE Select); coding-DNA position 1267, A replaced by G.
Protein change: p.Met423Val; replaces methionine 423 with valine.
Molecular consequence: missense variant.
Genome position (GRCh38, 1-based): chr5:128,393,333, T>C on the plus strand (A>G on the coding strand, the complement: FBN2 is on the minus strand). VCF-style: chr5-128393333-T-C. GRCh37 (hg19) VCF-style: chr5-127729026-T-C.
Other names: short protein forms M423V.
Identifiers: ClinVar variation 1764396 (VCV001764396.3), dbSNP rs1160619189, ClinGen allele CA360749999.